The following is an entry in ClinVar:

ClinVar aggregate classification (germline): Uncertain significance. Review status: criteria provided, multiple submitters, no conflicts (2 of 4 stars). 2 submissions from 2 submitters: Uncertain significance (2). Last evaluated 2025-09-08.

Conditions:
Hereditary cancer-predisposing syndrome. Also called: Tumor predisposition; Hereditary Cancer Syndrome; Hereditary neoplastic syndrome; Neoplastic Syndromes, Hereditary. Identifiers: Orphanet 140162, MedGen C0027672, MeSH D009386, MONDO:0015356.
Rhabdoid tumor predisposition syndrome 2 (RTPS2). Identifiers: Orphanet 231108, Orphanet 69077, MedGen C2750074, MONDO:0013224, OMIM 613325.

Submissions (2):

Ambry Genetics
Classification: Uncertain significance for Hereditary cancer-predisposing syndrome. Last evaluated: 2025-09-08. Review status: criteria provided, single submitter. Criteria: Ambry Variant Classification Scheme 2023. Collection method: clinical testing. Allele origin: germline.
Comment: The p.T1066A variant (also known as c.3196A>G), located in coding exon 22 of the SMARCA4 gene, results from an A to G substitution at nucleotide position 3196. The threonine at codon 1066 is replaced by alanine, an amino acid with similar properties. This amino acid position is not well conserved in available vertebrate species. In addition, this alteration is predicted to be tolerated by in silico analysis. Missense and in-frame variants in SMARCA4 are known to cause neurodevelopmental disorders; however, such associations with rhabdoid tumor predisposition syndrome including small cell carcinoma of the ovary-hypercalcemic type (SCCOHT) are exceedingly rare (Kosho T et al. Am J Med Genet C Semin Med Genet. 2014 Sep;166C(3):262-75; Jelinic P et al. Nat Genet. 2014 May;46(5):424-6). Based on the supporting evidence, the association of this alteration with Coffin-Siris syndrome is unknown; however, the association of this alteration with rhabdoid tumor predisposition syndrome is unlikely.

Labcorp Genetics (formerly Invitae), Labcorp
Classification: Uncertain significance for Rhabdoid tumor predisposition syndrome 2. Last evaluated: 2024-01-09. Review status: criteria provided, single submitter. Criteria: Invitae Variant Classification Sherloc (09022015). Collection method: clinical testing. Allele origin: germline.
Comment: This sequence change replaces threonine, which is neutral and polar, with alanine, which is neutral and non-polar, at codon 1066 of the SMARCA4 protein (p.Thr1066Ala). This variant is not present in population databases (gnomAD no frequency). This variant has not been reported in the literature in individuals affected with SMARCA4-related conditions. ClinVar contains an entry for this variant (Variation ID: 2587142). Advanced modeling of protein sequence and biophysical properties (such as structural, functional, and spatial information, amino acid conservation, physicochemical variation, residue mobility, and thermodynamic stability) performed at Invitae indicates that this missense variant is not expected to disrupt SMARCA4 protein function with a negative predictive value of 95%. In summary, the available evidence is currently insufficient to determine the role of this variant in disease. Therefore, it has been classified as a Variant of Uncertain Significance.

NM_003072.5(SMARCA4):c.3196A>G (p.Thr1066Ala)

Gene: SMARCA4 (SWI/SNF related BAF chromatin remodeling complex subunit ATPase 4; plus strand). Cytogenetic location: 19p13.2.
Variant type: single nucleotide variant.
Coding change: c.3196A>G on transcript NM_003072.5 (MANE Select); coding-DNA position 3196, A replaced by G.
Protein change: p.Thr1066Ala; replaces threonine 1066 with alanine.
Molecular consequence: missense variant. On other transcripts: non-coding transcript variant (1).
Genome position (GRCh38, 1-based): chr19:11,026,327, A>G. VCF-style: chr19-11026327-A-G. GRCh37 (hg19) VCF-style: chr19-11137003-A-G.
Other names: c.3196A>G, p.Thr1066Ala (NM_001128844.3, NM_001128845.2, NM_001128846.2 and 6 more transcripts); short protein forms T1066A.
Identifiers: ClinVar variation 2587142 (VCV002587142.6), dbSNP rs2146516253, ClinGen allele CA404060124.